The following is an entry in ClinVar:

ClinVar aggregate classification (germline): Uncertain significance. Review status: criteria provided, multiple submitters, no conflicts (2 of 4 stars). 2 submissions from 2 submitters: Uncertain significance (2). Last evaluated 2025-09-22.

Conditions:
Inborn genetic diseases. Identifiers: MedGen C0950123, MeSH D030342.

gnomAD v4.1: 8 of 1,614,236 alleles (0.0005%); highest among the groups gnomAD compares: Admixed American, 0.013%; no homozygotes.

Submissions (2):

Ambry Genetics
Classification: Uncertain significance for Inborn genetic diseases. Last evaluated: 2025-09-22. Review status: criteria provided, single submitter. Criteria: Ambry Variant Classification Scheme 2023. Collection method: clinical testing. Allele origin: germline.

Labcorp Genetics (formerly Invitae), Labcorp
Classification: Uncertain significance. Last evaluated: 2024-06-11. Review status: criteria provided, single submitter. Criteria: Invitae Variant Classification Sherloc (09022015). Collection method: clinical testing. Allele origin: germline.
Comment: This sequence change replaces glutamine, which is neutral and polar, with leucine, which is neutral and non-polar, at codon 481 of the FAM111A protein (p.Gln481Leu). This variant is present in population databases (rs769752882, gnomAD 0.01%). This variant has not been reported in the literature in individuals affected with FAM111A-related conditions. Advanced modeling of protein sequence and biophysical properties (such as structural, functional, and spatial information, amino acid conservation, physicochemical variation, residue mobility, and thermodynamic stability) performed at Invitae indicates that this missense variant is not expected to disrupt FAM111A protein function with a negative predictive value of 80%. In summary, the available evidence is currently insufficient to determine the role of this variant in disease. Therefore, it has been classified as a Variant of Uncertain Significance.

NM_001312909.2(FAM111A):c.1442A>T (p.Gln481Leu)

Gene: FAM111A (FAM111 trypsin like peptidase A; plus strand). Cytogenetic location: 11q12.1.
Variant type: single nucleotide variant.
Coding change: c.1442A>T on transcript NM_001312909.2 (MANE Select); coding-DNA position 1442, A replaced by T.
Protein change: p.Gln481Leu; replaces glutamine 481 with leucine.
Molecular consequence: missense variant.
Genome position (GRCh38, 1-based): chr11:59,153,110, A>T. VCF-style: chr11-59153110-A-T. GRCh37 (hg19) VCF-style: chr11-58920583-A-T.
Other names: c.1442A>T, p.Gln481Leu (NM_001142519.3, NM_001142520.3, NM_001142521.3 and 29 more transcripts); c.1442A>T (NM_001142520.1); short protein forms Q481L.
Identifiers: ClinVar variation 3608642 (VCV003608642.3).